The following is an entry in ClinVar:

ClinVar aggregate classification (germline): Uncertain significance (1 of 4 stars; one submission).

Conditions:
Nemaline myopathy 5 (NEM5A). Also called: NEMALINE MYOPATHY, AMISH TYPE; Nemaline myopathy 5, Amish type; NEMALINE MYOPATHY 5A, AUTOSOMAL RECESSIVE, SEVERE INFANTILE. Identifiers: Orphanet 98902, MedGen C1854380, MONDO:0011539, OMIM 605355.

Submission:

Labcorp Genetics (formerly Invitae), Labcorp
Classification: Uncertain significance for Nemaline myopathy 5. Last evaluated: 2022-09-06. Review status: criteria provided, single submitter. Criteria: Invitae Variant Classification Sherloc (09022015). Collection method: clinical testing. Allele origin: germline.
Comment: This sequence change replaces lysine, which is basic and polar, with asparagine, which is neutral and polar, at codon 237 of the TNNT1 protein (p.Lys237Asn). In summary, the available evidence is currently insufficient to determine the role of this variant in disease. Therefore, it has been classified as a Variant of Uncertain Significance. Algorithms developed to predict the effect of missense changes on protein structure and function are either unavailable or do not agree on the potential impact of this missense change (SIFT: "Deleterious"; PolyPhen-2: "Probably Damaging"; Align-GVGD: "Class C0"). ClinVar contains an entry for this variant (Variation ID: 962593). This variant has not been reported in the literature in individuals affected with TNNT1-related conditions. This variant is not present in population databases (gnomAD no frequency).

NM_003283.6(TNNT1):c.711G>T (p.Lys237Asn)

Gene: TNNT1 (troponin T1, slow skeletal type; minus strand). Cytogenetic location: 19q13.42.
Variant type: single nucleotide variant.
Coding change: c.711G>T on transcript NM_003283.6 (MANE Select); coding-DNA position 711, G replaced by T.
Protein change: p.Lys237Asn; replaces lysine 237 with asparagine.
Molecular consequence: missense variant.
Genome position (GRCh38, 1-based): chr19:55,134,105, C>A on the plus strand (G>T on the coding strand, the complement: TNNT1 is on the minus strand). VCF-style: chr19-55134105-C-A. GRCh37 (hg19) VCF-style: chr19-55645473-C-A.
Other names: c.663G>T, p.Lys221Asn (NM_001126132.3); c.630G>T, p.Lys210Asn (NM_001126133.3, NM_001291774.2); short protein forms K221N, K237N, K210N.
Identifiers: ClinVar variation 962593 (VCV000962593.10), dbSNP rs920784477, ClinGen allele CA407431679.